The following is an entry in ClinVar:

ClinVar aggregate classification (germline): Likely pathogenic (1 of 4 stars; one submission).

Conditions:
Hereditary hemorrhagic telangiectasia (HHT). Also called: ORW DISEASE; Osler Weber Rendu syndrome; OSLER-RENDU-WEBER DISEASE; Osler hemorrhagic telangiectasia syndrome. Identifiers: Orphanet 774, MedGen C0039445, MONDO:0019180. Disease mechanism: loss of function.

Submission:

Labcorp Genetics (formerly Invitae), Labcorp
Classification: Likely pathogenic for Hereditary hemorrhagic telangiectasia. Last evaluated: 2021-11-05. Review status: criteria provided, single submitter. Criteria: Invitae Variant Classification Sherloc (09022015). Collection method: clinical testing. Allele origin: germline.
Comment: In summary, the currently available evidence indicates that the variant is pathogenic, but additional data are needed to prove that conclusively. Therefore, this variant has been classified as Likely Pathogenic. This variant disrupts the p.Met414 amino acid residue in ENG. Other variant(s) that disrupt this residue have been determined to be pathogenic (Invitae). This suggests that this residue is clinically significant, and that variants that disrupt this residue are likely to be disease-causing. Advanced modeling of protein sequence and biophysical properties (such as structural, functional, and spatial information, amino acid conservation, physicochemical variation, residue mobility, and thermodynamic stability) performed at Invitae indicates that this missense variant is expected to disrupt ENG protein function. This missense change has been observed in individual(s) with hereditary hemorrhagic telangiectasia (PMID: 20414677). This variant is not present in population databases (gnomAD no frequency). This sequence change replaces methionine, which is neutral and non-polar, with arginine, which is basic and polar, at codon 414 of the ENG protein (p.Met414Arg).

Literature cited by the submitters: PubMed 20414677.

NM_001114753.3(ENG):c.1241T>G (p.Met414Arg)

Genes: ENG (endoglin; minus strand), LOC102723566 (uncharacterized LOC102723566; plus strand). Cytogenetic location: 9q34.11.
Variant type: single nucleotide variant.
Coding change: c.1241T>G on transcript NM_001114753.3 (MANE Select); coding-DNA position 1241, T replaced by G.
Protein change: p.Met414Arg; replaces methionine 414 with arginine.
Molecular consequence: missense variant.
Genome position (GRCh38, 1-based): chr9:127,819,931, A>C on the plus strand (T>G on the coding strand, the complement: ENG is on the minus strand). VCF-style: chr9-127819931-A-C. GRCh37 (hg19) VCF-style: chr9-130582210-A-C.
Other names: c.1241T>G, p.Met414Arg (NM_000118.4); c.695T>G, p.Met232Arg (NM_001278138.2); short protein forms M232R, M414R.
Identifiers: ClinVar variation 1479368 (VCV001479368.7), dbSNP rs1830432509, ClinGen allele CA374978377.